The following is an entry in ClinVar:

ClinVar aggregate classification (germline): Uncertain significance (1 of 4 stars; one submission).

Conditions:
Alpha thalassemia-X-linked intellectual disability syndrome (ATRX). Also called: ALPHA-THALASSEMIA/MENTAL RETARDATION SYNDROME, X-LINKED; ATR, NONDELETION TYPE; ATR-X syndrome; Alpha thalassemia mental retardation syndrome, nondeletion type, X-linked; XLMR hypotonic face syndrome; X-linked alpha-thalassemia-mental retardation syndrome. Identifiers: Orphanet 847, MedGen C1845055, MONDO:0010519, OMIM 301040.

Submission:

Labcorp Genetics (formerly Invitae), Labcorp
Classification: Uncertain significance for Alpha thalassemia-X-linked intellectual disability syndrome. Last evaluated: 2023-10-22. Review status: criteria provided, single submitter. Criteria: Invitae Variant Classification Sherloc (09022015). Collection method: clinical testing. Allele origin: germline.
Comment: This sequence change replaces glutamine, which is neutral and polar, with arginine, which is basic and polar, at codon 2242 of the ATRX protein (p.Gln2242Arg). This variant is not present in population databases (gnomAD no frequency). This variant has not been reported in the literature in individuals affected with ATRX-related conditions. Advanced modeling of protein sequence and biophysical properties (such as structural, functional, and spatial information, amino acid conservation, physicochemical variation, residue mobility, and thermodynamic stability) performed at Invitae indicates that this missense variant is not expected to disrupt ATRX protein function. In summary, the available evidence is currently insufficient to determine the role of this variant in disease. Therefore, it has been classified as a Variant of Uncertain Significance.

NM_000489.6(ATRX):c.6725A>G (p.Gln2242Arg)

Gene: ATRX (ATRX chromatin remodeler; minus strand). Cytogenetic location: Xq21.1.
Variant type: single nucleotide variant.
Coding change: c.6725A>G on transcript NM_000489.6 (MANE Select); coding-DNA position 6725, A replaced by G.
Protein change: p.Gln2242Arg; replaces glutamine 2242 with arginine.
Molecular consequence: missense variant.
Genome position (GRCh38, 1-based): chrX:77,523,376, T>C on the plus strand (A>G on the coding strand, the complement: ATRX is on the minus strand). VCF-style: chrX-77523376-T-C. GRCh37 (hg19) VCF-style: chrX-76778854-T-C.
Other names: c.6611A>G, p.Gln2204Arg (NM_138270.5); short protein forms Q2242R, Q2204R.
Identifiers: ClinVar variation 2770754 (VCV002770754.3), dbSNP rs2147762215, ClinGen allele CA413710252.
Genomic context (GRCh38, chrX:77,523,376, plus strand): 5'-TCTTTGTGGTCCAAAAGAGAATCATGTTCATGGTATCCTACAATGTGTTCTTTATGTATC[T>C]GAAGGAGCTCTGCAAGTATGGTATCCTGTTTAGAGGGGTTGAAATAAGAGACAATTATTT-3'
Protein context (NP_000480.3, residues 2232-2252): PKDTILAELL[Gln2242Arg]IHKEHIVGYH